The following is an entry in ClinVar:

NM_004168.4(SDHA):c.931T>C (p.Cys311Arg)

Gene: SDHA (succinate dehydrogenase complex flavoprotein subunit A; plus strand). Cytogenetic location: 5p15.33.
Variant type: single nucleotide variant.
Coding change: c.931T>C on transcript NM_004168.4 (MANE Select); coding-DNA position 931, T replaced by C.
Protein change: p.Cys311Arg; replaces cysteine 311 with arginine.
Molecular consequence: missense variant.
Genome position (GRCh38, 1-based): chr5:233,512, T>C. VCF-style: chr5-233512-T-C. GRCh37 (hg19) VCF-style: chr5-233627-T-C.
Other names: c.787T>C, p.Cys263Arg (NM_001294332.2); c.931T>C, p.Cys311Arg (NM_001330758.2); short protein forms C263R, C311R.
Identifiers: ClinVar variation 3223762 (VCV003223762.1), dbSNP rs2477348658, ClinGen allele CA359012594.

ClinVar aggregate classification (germline): Uncertain significance (1 of 4 stars; one submission).

Conditions:
Hereditary cancer-predisposing syndrome. Also called: Tumor predisposition; Hereditary neoplastic syndrome; Hereditary Cancer Syndrome; Neoplastic Syndromes, Hereditary. Identifiers: Orphanet 140162, MedGen C0027672, MeSH D009386, MONDO:0015356.

Submission:

Ambry Genetics
Classification: Uncertain significance for Hereditary cancer-predisposing syndrome. Last evaluated: 2023-09-25. Review status: criteria provided, single submitter. Criteria: Ambry Variant Classification Scheme 2023. Collection method: clinical testing. Allele origin: germline.
Comment: The p.C311R variant (also known as c.931T>C), located in coding exon 8 of the SDHA gene, results from a T to C substitution at nucleotide position 931. The cysteine at codon 311 is replaced by arginine, an amino acid with highly dissimilar properties. This amino acid position is conserved. In addition, this alteration is predicted to be deleterious by in silico analysis. Since supporting evidence is limited at this time, the clinical significance of this alteration remains unclear.